The following is an entry in ClinVar:

ClinVar aggregate classification (germline): Uncertain significance. Review status: criteria provided, multiple submitters, no conflicts (2 of 4 stars). 2 submissions from 2 submitters: Uncertain significance (2). Last evaluated 2022-01-01.

Allele frequency attached by ClinVar (database versions not stated): gnomAD exomes below 0.00001.
gnomAD v4.1: 2 of 1,613,886 alleles (0.00012%); highest among the groups gnomAD compares: Non-Finnish European, 0.00017%; no homozygotes.

Submissions (2):

Labcorp Genetics (formerly Invitae), Labcorp
Classification: Uncertain significance. Last evaluated: 2022-01-01. Review status: criteria provided, single submitter. Criteria: Invitae Variant Classification Sherloc (09022015). Collection method: clinical testing. Allele origin: germline.
Comment: This sequence change replaces proline, which is neutral and non-polar, with serine, which is neutral and polar, at codon 1736 of the CACNA1D protein (p.Pro1736Ser). This variant is not present in population databases (gnomAD no frequency). This variant has not been reported in the literature in individuals affected with CACNA1D-related conditions. Algorithms developed to predict the effect of missense changes on protein structure and function (SIFT, PolyPhen-2, Align-GVGD) all suggest that this variant is likely to be tolerated. Algorithms developed to predict the effect of sequence changes on RNA splicing suggest that this variant may create or strengthen a splice site. In summary, the available evidence is currently insufficient to determine the role of this variant in disease. Therefore, it has been classified as a Variant of Uncertain Significance.

Blueprint Genetics
Classification: Uncertain significance. Last evaluated: 2019-12-23. Review status: criteria provided, single submitter. Criteria: ACMG Guidelines, 2015. Collection method: clinical testing. Allele origin: germline.

NM_001128840.3(CACNA1D):c.5146C>T (p.Pro1716Ser)

Gene: CACNA1D (calcium voltage-gated channel subunit alpha1 D; plus strand). Cytogenetic location: 3p21.1.
Variant type: single nucleotide variant.
Coding change: c.5146C>T on transcript NM_001128840.3 (MANE Select); coding-DNA position 5146, C replaced by T.
Protein change: p.Pro1716Ser; replaces proline 1716 with serine.
Molecular consequence: missense variant.
Genome position (GRCh38, 1-based): chr3:53,801,163, C>T. VCF-style: chr3-53801163-C-T. GRCh37 (hg19) VCF-style: chr3-53835190-C-T.
Other names: c.5206C>T, p.Pro1736Ser (NM_000720.4); c.5101C>T, p.Pro1701Ser (NM_001128839.3); short protein forms P1736S, P1701S, P1716S.
Identifiers: ClinVar variation 2068959 (VCV002068959.5), dbSNP rs2474468244, ClinGen allele CA353250111.